The following is an entry in ClinVar:

ClinVar aggregate classification (germline): Uncertain significance. Review status: criteria provided, multiple submitters, no conflicts (2 of 4 stars). 3 submissions from 3 submitters: Uncertain significance (3). Last evaluated 2025-10-19.

Conditions:
Maple syrup urine disease, mild variant (MSUDMV). Identifiers: Orphanet 511, MedGen C3554575, MONDO:0014057, OMIM 615135.

Allele frequency attached by ClinVar (database versions not stated): gnomAD exomes 0.00003; ExAC 0.00008; ESP Exome Variant Server 0.00008.
gnomAD v4.1: 62 of 1,613,700 alleles (0.0038%); highest among the groups gnomAD compares: Admixed American, 0.028%; no homozygotes.

Submissions (3):

Labcorp Genetics (formerly Invitae), Labcorp
Classification: Uncertain significance for Maple syrup urine disease, mild variant. Last evaluated: 2025-10-19. Review status: criteria provided, single submitter. Criteria: Invitae Variant Classification Sherloc (09022015). Collection method: clinical testing. Allele origin: germline.
Comment: This sequence change replaces serine, which is neutral and polar, with leucine, which is neutral and non-polar, at codon 172 of the PPM1K protein (p.Ser172Leu). This variant is present in population databases (rs370483637, gnomAD 0.04%). This variant has not been reported in the literature in individuals affected with PPM1K-related conditions. ClinVar contains an entry for this variant (Variation ID: 2160519). An algorithm developed to predict the effect of missense changes on protein structure and function (PolyPhen-2) suggests that this variant is likely to be tolerated. In summary, the available evidence is currently insufficient to determine the role of this variant in disease. Therefore, it has been classified as a Variant of Uncertain Significance.

Ambry Genetics
Classification: Uncertain significance. Last evaluated: 2025-07-02. Review status: criteria provided, single submitter. Criteria: Ambry Variant Classification Scheme 2023. Collection method: clinical testing. Allele origin: germline.

Breakthrough Genomics
Classification: Uncertain significance. Review status: criteria provided, single submitter. Criteria: ACMG Guidelines, 2015. Collection method: not provided. Allele origin: germline. Inheritance: Autosomal recessive inheritance. Affected: yes.

NM_152542.5(PPM1K):c.515C>T (p.Ser172Leu)

Gene: PPM1K (protein phosphatase, Mg2+/Mn2+ dependent 1K; minus strand). Cytogenetic location: 4q22.1.
Variant type: single nucleotide variant.
Coding change: c.515C>T on transcript NM_152542.5 (MANE Select); coding-DNA position 515, C replaced by T.
Protein change: p.Ser172Leu; replaces serine 172 with leucine.
Molecular consequence: missense variant.
Genome position (GRCh38, 1-based): chr4:88,277,169, G>A on the plus strand (C>T on the coding strand, the complement: PPM1K is on the minus strand). VCF-style: chr4-88277169-G-A. GRCh37 (hg19) VCF-style: chr4-89198321-G-A.
Other names: c.515C>T (NM_152542.3); short protein forms S172L.
Identifiers: ClinVar variation 2160519 (VCV002160519.5), dbSNP rs370483637, ClinGen allele CA3005270.